The following is an entry in ClinVar:

ClinVar aggregate classification (germline): Uncertain significance (1 of 4 stars; one submission).

Allele frequency attached by ClinVar (database versions not stated): TOPMed below 0.00001; ExAC 0.00001; gnomAD 0.00001.
gnomAD v4.1: 2 of 1,614,016 alleles (0.00012%); highest among the groups gnomAD compares: Middle Eastern, 0.016%; no homozygotes.

Submission:

Labcorp Genetics (formerly Invitae), Labcorp
Classification: Uncertain significance. Last evaluated: 2022-06-23. Review status: criteria provided, single submitter. Criteria: Invitae Variant Classification Sherloc (09022015). Collection method: clinical testing. Allele origin: germline.
Comment: This sequence change replaces glutamic acid, which is acidic and polar, with glutamine, which is neutral and polar, at codon 307 of the PITPNM3 protein (p.Glu307Gln). This variant is present in population databases (rs769516771, gnomAD 0.0009%). This variant has not been reported in the literature in individuals affected with PITPNM3-related conditions. Algorithms developed to predict the effect of missense changes on protein structure and function (SIFT, PolyPhen-2, Align-GVGD) all suggest that this variant is likely to be tolerated. In summary, the available evidence is currently insufficient to determine the role of this variant in disease. Therefore, it has been classified as a Variant of Uncertain Significance.

NM_031220.4(PITPNM3):c.919G>C (p.Glu307Gln)

Gene: PITPNM3 (PITPNM family member 3; minus strand). Cytogenetic location: 17p13.2.
Variant type: single nucleotide variant.
Coding change: c.919G>C on transcript NM_031220.4 (MANE Select); coding-DNA position 919, G replaced by C.
Protein change: p.Glu307Gln; replaces glutamic acid 307 with glutamine.
Molecular consequence: missense variant.
Genome position (GRCh38, 1-based): chr17:6,477,195, C>G on the plus strand (G>C on the coding strand, the complement: PITPNM3 is on the minus strand). VCF-style: chr17-6477195-C-G. GRCh37 (hg19) VCF-style: chr17-6380515-C-G.
Other names: c.811G>C, p.Glu271Gln (NM_001165966.2); short protein forms E271Q, E307Q.
Identifiers: ClinVar variation 2009860 (VCV002009860.4), dbSNP rs769516771, ClinGen allele CA8329666.